The following is an entry in ClinVar:

ClinVar aggregate classification (germline): Uncertain significance (1 of 4 stars; one submission).

Conditions:
Hereditary cancer-predisposing syndrome. Also called: Neoplastic Syndromes, Hereditary; Tumor predisposition; Hereditary neoplastic syndrome; Hereditary Cancer Syndrome. Identifiers: Orphanet 140162, MedGen C0027672, MeSH D009386, MONDO:0015356.
Familial thoracic aortic aneurysm and aortic dissection (TAAD). Also called: Thoracic aortic aneurysms and dissections. Identifiers: Orphanet 91387, MedGen C4707243, MONDO:0019625.

Submission:

Ambry Genetics
Classification: Uncertain significance for Hereditary cancer-predisposing syndrome; Familial thoracic aortic aneurysm and aortic dissection. Last evaluated: 2023-08-10. Review status: criteria provided, single submitter. Criteria: Ambry Variant Classification Scheme 2023. Collection method: clinical testing. Allele origin: germline.
Comment: The c.1447+3A>G intronic variant results from an A to G substitution 3 nucleotides after coding exon 10 in the SMAD4 gene. This nucleotide position is well conserved in available vertebrate species. In silico splice site analysis predicts that this alteration will not have any significant effect on splicing. Since supporting evidence is limited at this time, the clinical significance of this alteration remains unclear.

NM_005359.6(SMAD4):c.1447+3A>G

Gene: SMAD4 (SMAD family member 4; plus strand). Cytogenetic location: 18q21.2.
Variant type: single nucleotide variant.
Coding change: c.1447+3A>G on transcript NM_005359.6 (MANE Select); 3 bases into the intron after coding-DNA position 1447, A replaced by G.
Molecular consequence: intron variant.
Genome position (GRCh38, 1-based): chr18:51,076,779, A>G. VCF-style: chr18-51076779-A-G. GRCh37 (hg19) VCF-style: chr18-48603149-A-G.
Other names: c.1447+3A>G (NM_001407042.1, NM_001407041.1).
Identifiers: ClinVar variation 3238399 (VCV003238399.1), dbSNP rs754526507.